The following is an entry in ClinVar:

ClinVar aggregate classification (germline): Uncertain significance (1 of 4 stars; one submission).

Conditions:
Inborn genetic diseases. Identifiers: MedGen C0950123, MeSH D030342.

Submission:

Ambry Genetics
Classification: Uncertain significance for Inborn genetic diseases. Last evaluated: 2026-06-17. Review status: criteria provided, single submitter. Criteria: Ambry Variant Classification Scheme 2023. Collection method: clinical testing. Allele origin: germline.
Comment: The c.1126T>C (p.W376R) alteration is located in exon 8 (coding exon 8) of the LGI1 gene. This alteration results from a T to C substitution at nucleotide position 1126, causing the tryptophan (W) at amino acid position 376 to be replaced by an arginine (R). This variant was not reported in population-based cohorts in the Genome Aggregation Database (gnomAD). This amino acid position is highly conserved in available vertebrate species. This alteration is predicted to be deleterious by in silico analysis. Based on insufficient or conflicting evidence, the clinical significance of this alteration remains unclear.

NM_005097.4(LGI1):c.1126T>C (p.Trp376Arg)

Gene: LGI1 (leucine rich glioma inactivated 1; plus strand). Cytogenetic location: 10q23.33.
Variant type: single nucleotide variant.
Coding change: c.1126T>C on transcript NM_005097.4 (MANE Select); coding-DNA position 1126, T replaced by C.
Protein change: p.Trp376Arg; replaces tryptophan 376 with arginine.
Molecular consequence: missense variant. On other transcripts: non-coding transcript variant (1), intron variant (1).
Genome position (GRCh38, 1-based): chr10:93,797,255, T>C. VCF-style: chr10-93797255-T-C. GRCh37 (hg19) VCF-style: chr10-95557012-T-C.
Other names: c.982T>C, p.Trp328Arg (NM_001308276.2); c.839-494T>C (NM_001308275.2); short protein forms W376R, W328R.
Identifiers: ClinVar variation 5023569 (VCV005023569.1).